The following is an entry in ClinVar:

ClinVar aggregate classification (germline): Pathogenic (1 of 4 stars; one submission).

Conditions:
Familial hypobetalipoproteinemia 1. Also called: APOB-Related Familial Hypobetalipoproteinemia; Hypobetalipoproteinemia, normotriglyceridemic; Acanthocytosis with hypobetalipoproteinemia. Identifiers: MedGen C4551990, MONDO:0014252, OMIM 615558.

Submission:

Laboratory of Medical Genetics, National & Kapodistrian University of Athens
Classification: Pathogenic for Familial hypobetalipoproteinemia 1. Last evaluated: 2021-10-05. Review status: criteria provided, single submitter. Criteria: ACMG Guidelines, 2015. Collection method: clinical testing. Allele origin: unknown. Affected: yes.
Comment: PVS1, PM2, PP4

NM_000384.3(APOB):c.1003del (p.Lys334_Leu335insTer)

Gene: APOB (apolipoprotein B; minus strand). Cytogenetic location: 2p24.1.
Variant type: Deletion.
Coding change: c.1003del on transcript NM_000384.3 (MANE Select); coding-DNA position 1003, one base deleted (C; older notation c.1003delC).
Protein change: p.Lys334_Leu335insTer.
Molecular consequence: nonsense.
Genome position (GRCh38, 1-based): chr2:21,033,420, G deleted on the plus strand (C on the coding strand, the reverse complement: APOB is on the minus strand). VCF-style (leftmost placement, unchanged base first): chr2-21033419-AG-A. GRCh37 (hg19) VCF-style: chr2-21256291-AG-A.
Other names: c.1003delC (NM_000384.3).
Identifiers: ClinVar variation 1299572 (VCV001299572.1), dbSNP rs2103380592, ClinGen allele CA2499215594.